The following is an entry in ClinVar:

ClinVar aggregate classification (germline): Uncertain significance (1 of 4 stars; one submission).

Submission:

Labcorp Genetics (formerly Invitae), Labcorp
Classification: Uncertain significance. Last evaluated: 2025-02-23. Review status: criteria provided, single submitter. Criteria: Invitae Variant Classification Sherloc (09022015). Collection method: clinical testing. Allele origin: germline.
Comment: This sequence change replaces methionine, which is neutral and non-polar, with arginine, which is basic and polar, at codon 1336 of the ROBO1 protein (p.Met1336Arg). This variant is not present in population databases (gnomAD no frequency). This variant has not been reported in the literature in individuals affected with ROBO1-related conditions. Invitae Evidence Modeling of protein sequence and biophysical properties (such as structural, functional, and spatial information, amino acid conservation, physicochemical variation, residue mobility, and thermodynamic stability) indicates that this missense variant is not expected to disrupt ROBO1 protein function with a negative predictive value of 95%. In summary, the available evidence is currently insufficient to determine the role of this variant in disease. Therefore, it has been classified as a Variant of Uncertain Significance.

NM_002941.4(ROBO1):c.4007T>G (p.Met1336Arg)

Gene: ROBO1 (roundabout guidance receptor 1; minus strand). Cytogenetic location: 3p12.3.
Variant type: single nucleotide variant.
Coding change: c.4007T>G on transcript NM_002941.4 (MANE Select); coding-DNA position 4007, T replaced by G.
Protein change: p.Met1336Arg; replaces methionine 1336 with arginine.
Molecular consequence: missense variant.
Genome position (GRCh38, 1-based): chr3:78,617,910, A>C on the plus strand (T>G on the coding strand, the complement: ROBO1 is on the minus strand). VCF-style: chr3-78617910-A-C. GRCh37 (hg19) VCF-style: chr3-78667060-A-C.
Other names: c.3707T>G, p.Met1236Arg (NM_001145845.2); c.3872T>G, p.Met1291Arg (NM_133631.4); short protein forms M1236R, M1291R, M1336R.
Identifiers: ClinVar variation 4811412 (VCV004811412.1).
Genomic context (GRCh38, chr3:78,617,910, plus strand): 5'-GCAGGTGTCTGCTCAAGCCCACGTAACAAAAGCCTTCTGGTTTGCATCTTGGCTACCTCC[A>C]TGTCGGCTTCGTCTTCTTCCTCTTCTGGCGCATCCGTATCCATATCTGAGACCAGGGGTC-3'
Protein context (NP_002932.1, residues 1326-1346): APEEEEDEAD[Met1336Arg]EVAKMQTRRL